The following is an entry in ClinVar:

NM_004145.4(MYO9B):c.4332C>T (p.His1444=)

Gene: MYO9B (myosin IXB; plus strand). Cytogenetic location: 19p13.11.
Variant type: single nucleotide variant.
Coding change: c.4332C>T on transcript NM_004145.4 (MANE Select); coding-DNA position 4332, C replaced by T.
Protein change: p.His1444=; no amino-acid change (histidine 1444 retained).
Molecular consequence: synonymous variant.
Genome position (GRCh38, 1-based): chr19:17,200,386, C>T. VCF-style: chr19-17200386-C-T. GRCh37 (hg19) VCF-style: chr19-17311195-C-T.
Other names: c.4332C>T, p.His1444= (NM_001130065.2).
Identifiers: ClinVar variation 3051749 (VCV003051749.2), dbSNP rs372066022, ClinGen allele CA9288135.

ClinVar aggregate classification (germline): Likely benign (0 of 4 stars; one submission).

Conditions:
MYO9B-related disorder. Also called: MYO9B-related condition.

Allele frequency attached by ClinVar (database versions not stated): gnomAD exomes 0.00003; gnomAD 0.00005; TOPMed 0.00005; ExAC 0.00007; ESP Exome Variant Server 0.00016.
gnomAD v4.1: 47 of 1,599,476 alleles (0.0029%); highest among the groups gnomAD compares: Non-Finnish European, 0.0036%; no homozygotes.

Submission:

PreventionGenetics, part of Exact Sciences
Classification: Likely benign for MYO9B-related condition. Last evaluated: 2019-02-21. Review status: no assertion criteria provided. Collection method: clinical testing. Allele origin: germline.
Comment: This variant is classified as likely benign based on ACMG/AMP sequence variant interpretation guidelines (Richards et al. 2015 PMID: 25741868, with internal and published modifications).